The following is an entry in ClinVar:

NM_000505.4(F12):c.1387+4C>G

Gene: F12 (coagulation factor XII; minus strand). Cytogenetic location: 5q35.3.
Variant type: single nucleotide variant.
Coding change: c.1387+4C>G on transcript NM_000505.4 (MANE Select); 4 bases into the intron after coding-DNA position 1387, C replaced by G.
Molecular consequence: intron variant.
Genome position (GRCh38, 1-based): chr5:177,403,477, G>C on the plus strand (C>G on the coding strand, the complement: F12 is on the minus strand). VCF-style: chr5-177403477-G-C. GRCh37 (hg19) VCF-style: chr5-176830478-G-C.
Identifiers: ClinVar variation 904431 (VCV000904431.30), dbSNP rs761161412, ClinGen allele CA3581188.
Genomic context (GRCh38, chr5:177,403,477, plus strand): 5'-GCGTGAGGCGGGGACGCCGGGGCCCCAAGCTCTCTTCCCGTCCCCGCGGGGCGCCCCCAC[G>C]CACCCAGGTCGTGCTGGTAGCTGACGGGCGAGAAGGCCTCGTGCAAGCGGTAGGAGCGCA-3'

ClinVar aggregate classification (germline): Conflicting classifications of pathogenicity. Review status: criteria provided, conflicting classifications (1 of 4 stars). 4 submissions from 3 submitters: Uncertain significance (3); Likely benign (1). Last evaluated 2024-12-04.

Conditions:
Factor XII deficiency disease. Also called: HAF DEFICIENCY; Congenital factor XII deficiency; Reduced factor XII activity; F12 DEFICIENCY. Identifiers: Orphanet 330, MedGen C0015526, MONDO:0009315, OMIM 234000, HP:0004841.
Hereditary angioedema type 3 (HAE3). Also called: ANGIONEUROTIC EDEMA, HEREDITARY, WITH NORMAL C1 INHIBITOR CONCENTRATION AND FUNCTION; HAE WITH NORMAL C1 INHIBITOR CONCENTRATION AND FUNCTION; ESTROGEN-RELATED HAE; ESTROGEN-SENSITIVE HAE. Identifiers: Orphanet 100054, MedGen C1857728, MONDO:0012526, OMIM 610618.

Allele frequency attached by ClinVar (database versions not stated): gnomAD 0.00014; TOPMed 0.00018; ExAC 0.00033.
gnomAD v4.1: 195 of 1,559,694 alleles (0.013%); highest among the groups gnomAD compares: Middle Eastern, 0.12%; no homozygotes.

Submissions (4):

Labcorp Genetics (formerly Invitae), Labcorp
Classification: Uncertain significance. Last evaluated: 2024-12-04. Review status: criteria provided, single submitter. Criteria: Invitae Variant Classification Sherloc (09022015). Collection method: clinical testing. Allele origin: germline.
Comment: This sequence change falls in intron 11 of the F12 gene. It does not directly change the encoded amino acid sequence of the F12 protein. It affects a nucleotide within the consensus splice site. This variant is present in population databases (rs761161412, gnomAD 0.1%). This variant has not been reported in the literature in individuals affected with F12-related conditions. ClinVar contains an entry for this variant (Variation ID: 904431). Variants that disrupt the consensus splice site are a relatively common cause of aberrant splicing (PMID: 17576681, 9536098). Algorithms developed to predict the effect of sequence changes on RNA splicing suggest that this variant is not likely to affect RNA splicing. In summary, the available evidence is currently insufficient to determine the role of this variant in disease. Therefore, it has been classified as a Variant of Uncertain Significance.

CeGaT Center for Human Genetics Tuebingen
Classification: Uncertain significance. Last evaluated: 2023-07-01. Review status: criteria provided, single submitter. Criteria: CeGaT Center For Human Genetics Tuebingen Variant Classification Criteria Version 2. Collection method: clinical testing. Allele origin: germline. Affected: yes. Observed: 1 variant allele.
Comment: F12: PM2:Supporting, BP4

Illumina Laboratory Services, Illumina
Classification: Uncertain significance for Factor XII deficiency disease. Last evaluated: 2018-01-12. Review status: criteria provided, single submitter. Criteria: ICSL Variant Classification Criteria 13 December 2019. Collection method: clinical testing. Allele origin: germline.

Illumina Laboratory Services, Illumina
Classification: Likely benign for Hereditary angioedema type 3. Last evaluated: 2018-01-12. Review status: criteria provided, single submitter. Criteria: ICSL Variant Classification Criteria 13 December 2019. Collection method: clinical testing. Allele origin: germline.
Comment: This variant was observed in the ICSL laboratory as part of a predisposition screen in an ostensibly healthy population. It had not been previously curated by ICSL or reported in the Human Gene Mutation Database (HGMD: prior to June 1st, 2018), and was therefore a candidate for classification through an automated scoring system. Utilizing variant allele frequency, disease prevalence and penetrance estimates, and inheritance mode, an automated score was calculated to assess if this variant is too frequent to cause the disease. Based on the score and internal cut-off values, a variant classified as likely benign is not then subjected to further curation. The score for this variant resulted in a classification of likely benign for this disease.

Literature cited by the submitters: PubMed 17576681 (cited by Labcorp Genetics (formerly Invitae), Labcorp); PubMed 9536098 (cited by Labcorp Genetics (formerly Invitae), Labcorp).